The following is an entry in ClinVar:

ClinVar aggregate classification (germline): Uncertain significance (1 of 4 stars; one submission).

Conditions:
Inborn genetic diseases. Identifiers: MedGen C0950123, MeSH D030342.

Submission:

Ambry Genetics
Classification: Uncertain significance for Inborn genetic diseases. Last evaluated: 2022-07-27. Review status: criteria provided, single submitter. Criteria: Ambry Variant Classification Scheme 2023. Collection method: clinical testing. Allele origin: germline.
Comment: The p.S742F variant (also known as c.2225C>T), located in coding exon 18 of the LRRK2 gene, results from a C to T substitution at nucleotide position 2225. The serine at codon 742 is replaced by phenylalanine, an amino acid with highly dissimilar properties. This amino acid position is conserved. In addition, this alteration is predicted to be tolerated by in silico analysis. Since supporting evidence is limited at this time, the clinical significance of this alteration remains unclear.

NM_198578.4(LRRK2):c.2225C>T (p.Ser742Phe)

Gene: LRRK2 (leucine rich repeat kinase 2; plus strand). Cytogenetic location: 12q12.
Variant type: single nucleotide variant.
Coding change: c.2225C>T on transcript NM_198578.4 (MANE Select); coding-DNA position 2225, C replaced by T.
Protein change: p.Ser742Phe; replaces serine 742 with phenylalanine.
Molecular consequence: missense variant.
Genome position (GRCh38, 1-based): chr12:40,278,245, C>T. VCF-style: chr12-40278245-C-T. GRCh37 (hg19) VCF-style: chr12-40672047-C-T.
Other names: short protein forms S742F.
Identifiers: ClinVar variation 1787986 (VCV001787986.2), dbSNP rs2499639453, ClinGen allele CA384405304.
Genomic context (GRCh38, chr12:40,278,245, plus strand): 5'-GCATCATGGTTGAATGCTTGCTTCTATTGGGAGCAGATGCCAATCAAGCAAAGGAGGGAT[C>T]TTCTTTAATTTGTCAGGTAAATATTCAAGGCCTCACTTTTGTCTTTGCTCAGTATTCTTA-3'
Protein context (NP_940980.4, residues 732-752): GADANQAKEG[Ser742Phe]SLICQVCEKE